The following is an entry in ClinVar:

NM_020754.4(ARHGAP31):c.1661A>G (p.Lys554Arg)

Gene: ARHGAP31 (Rho GTPase activating protein 31; plus strand). Cytogenetic location: 3q13.33.
Variant type: single nucleotide variant.
Coding change: c.1661A>G on transcript NM_020754.4 (MANE Select); coding-DNA position 1661, A replaced by G.
Protein change: p.Lys554Arg; replaces lysine 554 with arginine.
Molecular consequence: missense variant.
Genome position (GRCh38, 1-based): chr3:119,409,511, A>G. VCF-style: chr3-119409511-A-G. GRCh37 (hg19) VCF-style: chr3-119128358-A-G.
Other names: c.1661A>G (NM_020754.2); short protein forms K554R.
Identifiers: ClinVar variation 1917593 (VCV001917593.6), dbSNP rs771261152, ClinGen allele CA2553878.
Genomic context (GRCh38, chr3:119,409,511, plus strand): 5'-TGAAATGAAGTCTCCTTTAACTGATAACTCTCATTTTCACTGCAGCTTCTGTACCTAAGA[A>G]GGCAGGTCTTGAGGATGCCAAGGCAGTACCTGAAGCACCGGGGACAGTGGAATGCAGCAA-3'
Protein context (NP_065805.2, residues 544-564): AETSAASVPK[Lys554Arg]AGLEDAKAVP

ClinVar aggregate classification (germline): Uncertain significance. Review status: criteria provided, multiple submitters, no conflicts (2 of 4 stars). 2 submissions from 2 submitters: Uncertain significance (2). Last evaluated 2025-08-26.

Conditions:
Inborn genetic diseases. Identifiers: MedGen C0950123, MeSH D030342.

Allele frequency attached by ClinVar (database versions not stated): TOPMed below 0.00001; ExAC 0.00001; gnomAD exomes 0.00001.
gnomAD v4.1: 8 of 1,614,234 alleles (0.0005%); highest among the groups gnomAD compares: Non-Finnish European, 0.00068%; no homozygotes.

Submissions (2):

Ambry Genetics
Classification: Uncertain significance for Inborn genetic diseases. Last evaluated: 2025-08-26. Review status: criteria provided, single submitter. Criteria: Ambry Variant Classification Scheme 2023. Collection method: clinical testing. Allele origin: germline.

Labcorp Genetics (formerly Invitae), Labcorp
Classification: Uncertain significance. Last evaluated: 2024-04-15. Review status: criteria provided, single submitter. Criteria: Invitae Variant Classification Sherloc (09022015). Collection method: clinical testing. Allele origin: germline.
Comment: This sequence change replaces lysine, which is basic and polar, with arginine, which is basic and polar, at codon 554 of the ARHGAP31 protein (p.Lys554Arg). This variant is present in population databases (rs771261152, gnomAD 0.0009%). This variant has not been reported in the literature in individuals affected with ARHGAP31-related conditions. ClinVar contains an entry for this variant (Variation ID: 1917593). An algorithm developed to predict the effect of missense changes on protein structure and function (PolyPhen-2) suggests that this variant is likely to be tolerated. In summary, the available evidence is currently insufficient to determine the role of this variant in disease. Therefore, it has been classified as a Variant of Uncertain Significance.